The following is an entry in ClinVar:

ClinVar aggregate classification (germline): Uncertain significance (1 of 4 stars; one submission).

Conditions:
Familial thoracic aortic aneurysm and aortic dissection (TAAD). Also called: Thoracic aortic aneurysms and dissections. Identifiers: Orphanet 91387, MedGen C4707243, MONDO:0019625.

Allele frequency attached by ClinVar (database versions not stated): gnomAD exomes below 0.00001.
gnomAD v4.1: 1 of 1,613,934 alleles (0.000062%); highest among the groups gnomAD compares: Non-Finnish European, 0.000085%; no homozygotes.

Submission:

Labcorp Genetics (formerly Invitae), Labcorp
Classification: Uncertain significance for Familial thoracic aortic aneurysm and aortic dissection. Last evaluated: 2021-11-26. Review status: criteria provided, single submitter. Criteria: Invitae Variant Classification Sherloc (09022015). Collection method: clinical testing. Allele origin: germline.
Comment: This sequence change replaces asparagine, which is neutral and polar, with tyrosine, which is neutral and polar, at codon 280 of the SMAD3 protein (p.Asn280Tyr). This variant is not present in population databases (gnomAD no frequency). This variant has not been reported in the literature in individuals affected with SMAD3-related conditions. Advanced modeling of protein sequence and biophysical properties (such as structural, functional, and spatial information, amino acid conservation, physicochemical variation, residue mobility, and thermodynamic stability) performed at Invitae indicates that this missense variant is expected to disrupt SMAD3 protein function. In summary, the available evidence is currently insufficient to determine the role of this variant in disease. Therefore, it has been classified as a Variant of Uncertain Significance.

NM_005902.4(SMAD3):c.838A>T (p.Asn280Tyr)

Gene: SMAD3 (SMAD family member 3; plus strand). Cytogenetic location: 15q22.33.
Variant type: single nucleotide variant.
Coding change: c.838A>T on transcript NM_005902.4 (MANE Select); coding-DNA position 838, A replaced by T.
Protein change: p.Asn280Tyr; replaces asparagine 280 with tyrosine.
Molecular consequence: missense variant.
Genome position (GRCh38, 1-based): chr15:67,181,420, A>T. VCF-style: chr15-67181420-A-T. GRCh37 (hg19) VCF-style: chr15-67473758-A-T.
Other names: c.523A>T, p.Asn175Tyr (NM_001145102.2); c.706A>T, p.Asn236Tyr (NM_001145103.2); c.253A>T, p.Asn85Tyr (NM_001145104.2); short protein forms N175Y, N280Y, N85Y, N236Y.
Identifiers: ClinVar variation 1358469 (VCV001358469.6), dbSNP rs2140314384, ClinGen allele CA392956368.